The following is an entry in ClinVar:

ClinVar aggregate classification (germline): Uncertain significance (1 of 4 stars; one submission).

Submission:

GeneDx
Classification: Uncertain significance. Last evaluated: 2022-03-11. Review status: criteria provided, single submitter. Criteria: GeneDx Variant Classification Process June 2021. Collection method: clinical testing. Allele origin: germline. Affected: yes.
Comment: De novo variant with confirmed parentage; however, the reported clinical features are only partially consistent with the features typically observed in individuals with pathogenic variants in this gene; Not observed at significant frequency in large population cohorts (gnomAD); In silico analysis supports that this missense variant has a deleterious effect on protein structure/function; Has not been previously published as pathogenic or benign to our knowledge

NM_005862.3(STAG1):c.1162G>T (p.Asp388Tyr)

Gene: STAG1 (STAG1 cohesin complex component; minus strand). Cytogenetic location: 3q22.3.
Variant type: single nucleotide variant.
Coding change: c.1162G>T on transcript NM_005862.3 (MANE Select); coding-DNA position 1162, G replaced by T.
Protein change: p.Asp388Tyr; replaces aspartic acid 388 with tyrosine.
Molecular consequence: missense variant.
Genome position (GRCh38, 1-based): chr3:136,472,456, C>A on the plus strand (G>T on the coding strand, the complement: STAG1 is on the minus strand). VCF-style: chr3-136472456-C-A. GRCh37 (hg19) VCF-style: chr3-136191298-C-A.
Other names: short protein forms D388Y.
Identifiers: ClinVar variation 1705015 (VCV001705015.2), dbSNP rs2530669255, ClinGen allele CA354651545.
Genomic context (GRCh38, chr3:136,472,456, plus strand): 5'-TAATGGATATTACTTACTGAAGTATCAGAGTAACCAATCGAATAGCTTCCACAGCAACAT[C>A]ATATTCTTTATCAAGTGTCATTGATACAATGCGATCCTGAGAAAAAAAAGTTGTAAAACA-3'
Protein context (NP_005853.2, residues 378-398): IVSMTLDKEY[Asp388Tyr]VAVEAIRLVT